The following is an entry in ClinVar:

NM_001283009.2(RTEL1):c.225G>C (p.Arg75Ser)

Genes: RTEL1 (regulator of telomere elongation helicase 1; plus strand), RTEL1-TNFRSF6B (RTEL1-TNFRSF6B readthrough (NMD candidate); plus strand). Cytogenetic location: 20q13.33.
Variant type: single nucleotide variant.
Coding change: c.225G>C on transcript NM_001283009.2 (MANE Select); coding-DNA position 225, G replaced by C.
Protein change: p.Arg75Ser; replaces arginine 75 with serine.
Molecular consequence: missense variant. On other transcripts: non-coding transcript variant (1), 5 prime UTR variant (1).
Genome position (GRCh38, 1-based): chr20:63,661,420, G>C. VCF-style: chr20-63661420-G-C. GRCh37 (hg19) VCF-style: chr20-62292773-G-C.
Other names: c.-445G>C (NM_001283010.1); c.225G>C, p.Arg75Ser (NM_016434.4, NM_032957.5); short protein forms R75S.
Identifiers: ClinVar variation 3253318 (VCV003253318.1), dbSNP rs2516992623.

ClinVar aggregate classification (germline): Uncertain significance (1 of 4 stars; one submission).

Submission:

GeneDx
Classification: Uncertain significance. Last evaluated: 2024-06-08. Review status: criteria provided, single submitter. Criteria: GeneDx Variant Classification Process June 2021. Collection method: clinical testing. Allele origin: germline. Affected: yes.
Comment: Not observed in large population cohorts (gnomAD); In silico analysis supports that this missense variant has a deleterious effect on protein structure/function; Has not been previously published as pathogenic or benign to our knowledge